The following is an entry in ClinVar:

NM_024721.5(ZFHX4):c.5250G>C (p.Leu1750Phe)

Gene: ZFHX4 (zinc finger homeobox 4; plus strand). Cytogenetic location: 8q21.13.
Variant type: single nucleotide variant.
Coding change: c.5250G>C on transcript NM_024721.5 (MANE Select); coding-DNA position 5250, G replaced by C.
Protein change: p.Leu1750Phe; replaces leucine 1750 with phenylalanine.
Molecular consequence: missense variant.
Genome position (GRCh38, 1-based): chr8:76,852,171, G>C. VCF-style: chr8-76852171-G-C. GRCh37 (hg19) VCF-style: chr8-77764407-G-C.
Other names: c.5172G>C, p.Leu1724Phe (NM_001410934.1); short protein forms L1724F, L1750F.
Identifiers: ClinVar variation 5002784 (VCV005002784.1).

ClinVar aggregate classification (germline): Uncertain significance (1 of 4 stars; one submission).

Submission:

OLLIN Analises Genomicas, OLLIN
Classification: Uncertain significance. Last evaluated: 2026-08-06. Review status: criteria provided, single submitter. Criteria: ACMG Guidelines 2015 PMID 25741868. Collection method: clinical testing. Allele origin: germline.
Comment: This missense variant, located in exon 10 (of 11), is absent from gnomAD and ClinVar and has not been identified in the literature. In silico analysis predicts that this variant has a tolerated effect. According to the currently available evidence, this variant has been classified as uncertain significance (PM2_P, BP4_M).